The following is an entry in ClinVar:

ClinVar aggregate classification (germline): Uncertain significance (1 of 4 stars; one submission).

Conditions:
Inborn genetic diseases. Identifiers: MedGen C0950123, MeSH D030342.

Submission:

Ambry Genetics
Classification: Uncertain significance for Inborn genetic diseases. Last evaluated: 2026-01-17. Review status: criteria provided, single submitter. Criteria: Ambry Variant Classification Scheme 2023. Collection method: clinical testing. Allele origin: germline.
Comment: The p.L1203V variant (also known as c.3607C>G), located in coding exon 17 of the MECOM gene, results from a C to G substitution at nucleotide position 3607. The leucine at codon 1203 is replaced by valine, an amino acid with highly similar properties. This amino acid position is conserved. In addition, this alteration is predicted to be tolerated by in silico analysis. Based on the available evidence, the clinical significance of this variant remains unclear.

NM_004991.4(MECOM):c.3607C>G (p.Leu1203Val)

Gene: MECOM (MDS1 and EVI1 complex locus; minus strand). Cytogenetic location: 3q26.2.
Variant type: single nucleotide variant.
Coding change: c.3607C>G on transcript NM_004991.4 (MANE Select); coding-DNA position 3607, C replaced by G.
Protein change: p.Leu1203Val; replaces leucine 1203 with valine.
Molecular consequence: missense variant.
Genome position (GRCh38, 1-based): chr3:169,085,022, G>C on the plus strand (C>G on the coding strand, the complement: MECOM is on the minus strand). VCF-style: chr3-169085022-G-C. GRCh37 (hg19) VCF-style: chr3-168802810-G-C.
Other names: c.3043C>G, p.Leu1015Val (NM_001366469.2, NM_005241.4, NM_001105078.4 and 1 more transcripts); c.3019C>G, p.Leu1007Val (NM_001366470.2, NM_001163999.2); c.3016C>G, p.Leu1006Val (NM_001366471.2, NM_001366472.2, NM_001164000.2); c.2608C>G, p.Leu870Val (NM_001366473.2); c.2044C>G, p.Leu682Val (NM_001366474.2); c.3238C>G, p.Leu1080Val (NM_001105077.4); c.3580C>G, p.Leu1194Val (NM_001366466.2); c.3046C>G, p.Leu1016Val (NM_001366467.2, NM_001366468.2); short protein forms L1007V, L1015V, L870V, L1080V, L1203V, L682V, L1194V, L1006V.
Identifiers: ClinVar variation 4824290 (VCV004824290.1).
Genomic context (GRCh38, chr3:169,085,022, plus strand): 5'-TACTGTGCCACACGTTGGAAGAACTGTGGGATGTAGAATGGAGGGACTCCTTGTCAGACA[G>C]TGACAGCATCATAGCATATGCCTGGGGTAAAAAGGAGAGAGACTCAGTAAATGGCATTTG-3'
Protein context (NP_004982.2, residues 1193-1213): KSQAYAMMLS[Leu1203Val]SDKESLHSTS